The following is an entry in ClinVar:

ClinVar aggregate classification (germline): Uncertain significance (1 of 4 stars; one submission).

Conditions:
Catecholaminergic polymorphic ventricular tachycardia 1. Also called: RYR2-Related Catecholaminergic Polymorphic Ventricular Tachycardia; VENTRICULAR TACHYCARDIA, CATECHOLAMINERGIC POLYMORPHIC, 1, WITH OR WITHOUT ATRIAL DYSFUNCTION AND/OR DILATED CARDIOMYOPATHY; VENTRICULAR TACHYCARDIA, STRESS-INDUCED POLYMORPHIC 1. Identifiers: Orphanet 3286, MedGen C1631597, MONDO:0011484, OMIM 604772.

Submission:

Labcorp Genetics (formerly Invitae), Labcorp
Classification: Uncertain significance for Catecholaminergic polymorphic ventricular tachycardia 1. Last evaluated: 2023-06-24. Review status: criteria provided, single submitter. Criteria: Invitae Variant Classification Sherloc (09022015). Collection method: clinical testing. Allele origin: germline.
Comment: This variant is not present in population databases (gnomAD no frequency). In summary, the available evidence is currently insufficient to determine the role of this variant in disease. Therefore, it has been classified as a Variant of Uncertain Significance. Advanced modeling of protein sequence and biophysical properties (such as structural, functional, and spatial information, amino acid conservation, physicochemical variation, residue mobility, and thermodynamic stability) performed at Invitae indicates that this missense variant is expected to disrupt RYR2 protein function. This variant has not been reported in the literature in individuals affected with RYR2-related conditions. This sequence change replaces valine, which is neutral and non-polar, with aspartic acid, which is acidic and polar, at codon 4327 of the RYR2 protein (p.Val4327Asp).

NM_001035.3(RYR2):c.12980T>A (p.Val4327Asp)

Genes: RYR2 (ryanodine receptor 2; plus strand), LOC126806068 (BRD4-independent group 4 enhancer GRCh37_chr1:237947411-237948610; plus strand). Cytogenetic location: 1q43.
Variant type: single nucleotide variant.
Coding change: c.12980T>A on transcript NM_001035.3 (MANE Select); coding-DNA position 12980, T replaced by A.
Protein change: p.Val4327Asp; replaces valine 4327 with aspartic acid.
Molecular consequence: missense variant.
Genome position (GRCh38, 1-based): chr1:237,784,692, T>A. VCF-style: chr1-237784692-T-A. GRCh37 (hg19) VCF-style: chr1-237947992-T-A.
Other names: short protein forms V4327D.
Identifiers: ClinVar variation 2727626 (VCV002727626.3), dbSNP rs1023448664, ClinGen allele CA345414918.